The following is an entry in ClinVar:

ClinVar aggregate classification (germline): Uncertain significance. Review status: criteria provided, multiple submitters, no conflicts (2 of 4 stars). 2 submissions from 2 submitters: Uncertain significance (2). Last evaluated 2026-09-02.

Conditions:
Inborn genetic diseases. Identifiers: MedGen C0950123, MeSH D030342.
Autosomal dominant nocturnal frontal lobe epilepsy 5. Also called: KCNT1-Related Epilepsy; CILIARY DYSKINESIA, PRIMARY, 28, WITHOUT SITUS INVERSUS; CILIARY DYSKINESIA, PRIMARY, 28, WITH SITUS INVERSUS; Epilepsy, nocturnal frontal lobe, 5. Identifiers: Orphanet 98784, MedGen C3554306, MONDO:0014002, OMIM 615005.
Developmental and epileptic encephalopathy, 14 (DEE14). Also called: Early infantile epileptic encephalopathy 14. Identifiers: Orphanet 293181, MedGen C3554195, MONDO:0013989, OMIM 614959.

Allele frequency attached by ClinVar (database versions not stated): gnomAD exomes below 0.00001; gnomAD 0.00001; ExAC 0.00001; TOPMed 0.00002.
gnomAD v4.1: 3 of 1,613,674 alleles (0.00019%); highest among the groups gnomAD compares: Non-Finnish European, 0.00025%; no homozygotes.

Submissions (2):

Ambry Genetics
Classification: Uncertain significance for Inborn genetic diseases. Last evaluated: 2026-09-02. Review status: criteria provided, single submitter. Criteria: Ambry Variant Classification Scheme 2023. Collection method: clinical testing. Allele origin: germline.
Comment: The c.2708T>A (p.V903D) alteration is located in exon 23 (coding exon 23) of the KCNT1 gene. This alteration results from a T to A substitution at nucleotide position 2708, causing the valine (V) at amino acid position 903 to be replaced by an aspartic acid (D). Based on data from gnomAD, the A allele has an overall frequency of <0.001% (1/250840) total alleles studied. The highest observed frequency was 0.001% (1/113274) of European (non-Finnish) alleles. Based on insufficient or conflicting evidence, the clinical significance of this alteration remains unclear.

Labcorp Genetics (formerly Invitae), Labcorp
Classification: Uncertain significance for Autosomal dominant nocturnal frontal lobe epilepsy 5; Developmental and epileptic encephalopathy, 14. Last evaluated: 2024-11-09. Review status: criteria provided, single submitter. Criteria: Invitae Variant Classification Sherloc (09022015). Collection method: clinical testing. Allele origin: germline.
Comment: This sequence change replaces valine, which is neutral and non-polar, with aspartic acid, which is acidic and polar, at codon 903 of the KCNT1 protein (p.Val903Asp). This variant is present in population databases (rs771545870, gnomAD 0.0009%). This variant has not been reported in the literature in individuals affected with KCNT1-related conditions. ClinVar contains an entry for this variant (Variation ID: 1795009). Invitae Evidence Modeling of protein sequence and biophysical properties (such as structural, functional, and spatial information, amino acid conservation, physicochemical variation, residue mobility, and thermodynamic stability) indicates that this missense variant is expected to disrupt KCNT1 protein function with a positive predictive value of 80%. In summary, the available evidence is currently insufficient to determine the role of this variant in disease. Therefore, it has been classified as a Variant of Uncertain Significance.

NM_020822.3(KCNT1):c.2708T>A (p.Val903Asp)

Gene: KCNT1 (potassium sodium-activated channel subfamily T member 1; plus strand). Cytogenetic location: 9q34.3.
Variant type: single nucleotide variant.
Coding change: c.2708T>A on transcript NM_020822.3 (MANE Select); coding-DNA position 2708, T replaced by A.
Protein change: p.Val903Asp; replaces valine 903 with aspartic acid.
Molecular consequence: missense variant.
Genome position (GRCh38, 1-based): chr9:135,778,801, T>A. VCF-style: chr9-135778801-T-A. GRCh37 (hg19) VCF-style: chr9-138670647-T-A.
Other names: c.2573T>A, p.Val858Asp (NM_001272003.2); short protein forms V858D, V903D.
Identifiers: ClinVar variation 1795009 (VCV001795009.8), dbSNP rs771545870, ClinGen allele CA5327395.